The following is an entry in ClinVar:

ClinVar aggregate classification (germline): Uncertain significance (1 of 4 stars; one submission).

Conditions:
Autosomal recessive spastic paraplegia type 78. Identifiers: Orphanet 513436, MedGen C5567893, MONDO:0014975, OMIM 617225.
Kufor-Rakeb syndrome (KRS). Also called: PARKINSON DISEASE 9, AUTOSOMAL RECESSIVE, JUVENILE-ONSET. Identifiers: Orphanet 306674, Orphanet 314632, MedGen C1847640, MONDO:0011706, OMIM 606693.

Allele frequency attached by ClinVar (database versions not stated): TOPMed 0.00003; gnomAD 0.00004 and 0.00005; ExAC 0.00006; ESP Exome Variant Server 0.00024.
gnomAD v4.1: 123 of 1,553,018 alleles (0.0079%); highest among the groups gnomAD compares: Non-Finnish European, 0.0096%; no homozygotes.

Submission:

Labcorp Genetics (formerly Invitae), Labcorp
Classification: Uncertain significance for Kufor-Rakeb syndrome; Autosomal recessive spastic paraplegia type 78. Last evaluated: 2022-07-12. Review status: criteria provided, single submitter. Criteria: Invitae Variant Classification Sherloc (09022015). Collection method: clinical testing. Allele origin: germline.
Comment: This sequence change affects codon 515 of the ATP13A2 mRNA. It is a 'silent' change, meaning that it does not change the encoded amino acid sequence of the ATP13A2 protein. The frequency data for this variant in the population databases is considered unreliable, as metrics indicate poor data quality at this position in the gnomAD database. This variant has not been reported in the literature in individuals affected with ATP13A2-related conditions. ClinVar contains an entry for this variant (Variation ID: 465255). Algorithms developed to predict the effect of sequence changes on RNA splicing suggest that this variant may create or strengthen a splice site. In summary, the available evidence is currently insufficient to determine the role of this variant in disease. Therefore, it has been classified as a Variant of Uncertain Significance.

NM_022089.4(ATP13A2):c.1545G>A (p.Thr515=)

Gene: ATP13A2 (ATPase cation transporting 13A2; minus strand). Cytogenetic location: 1p36.13.
Variant type: single nucleotide variant.
Coding change: c.1545G>A on transcript NM_022089.4 (MANE Select); coding-DNA position 1545, G replaced by A.
Protein change: p.Thr515=; no amino-acid change (threonine 515 retained).
Molecular consequence: synonymous variant.
Genome position (GRCh38, 1-based): chr1:16,993,833, C>T on the plus strand (G>A on the coding strand, the complement: ATP13A2 is on the minus strand). VCF-style: chr1-16993833-C-T. GRCh37 (hg19) VCF-style: chr1-17320328-C-T.
Other names: c.1530G>A, p.Thr510= (NM_001141973.3, NM_001141974.3).
Identifiers: ClinVar variation 465255 (VCV000465255.5), dbSNP rs373005131, ClinGen allele CA637144.
Genomic context (GRCh38, chr1:16,993,833, plus strand): 5'-TGCCTGCCCCTTCAGGGGCACCACCCCCATCACGTCTAAGCCGTCCTCAGTGAGGGTGCC[C>T]GTCTGTGGGAGACAGGTGGGTGGGGCAGCGATGAGTCCTGGGATGGGGGTACCCTGCTGA-3'
Protein context (NP_071372.1, residues 505-525): GKLQLVCFDK[Thr515=]GTLTEDGLDV